The following is an entry in ClinVar:

NM_005188.4(CBL):c.1699T>A (p.Cys567Ser)

Gene: CBL (Cbl proto-oncogene; plus strand). Cytogenetic location: 11q23.3.
Variant type: single nucleotide variant.
Coding change: c.1699T>A on transcript NM_005188.4 (MANE Select); coding-DNA position 1699, T replaced by A.
Protein change: p.Cys567Ser; replaces cysteine 567 with serine.
Molecular consequence: missense variant.
Genome position (GRCh38, 1-based): chr11:119,285,324, T>A. VCF-style: chr11-119285324-T-A. GRCh37 (hg19) VCF-style: chr11-119156034-T-A.
Other names: c.1699T>A (NM_005188.2); short protein forms C567S.
Identifiers: ClinVar variation 3628961 (VCV003628961.3).

ClinVar aggregate classification (germline): Uncertain significance. Review status: criteria provided, multiple submitters, no conflicts (2 of 4 stars). 2 submissions from 2 submitters: Uncertain significance (2). Last evaluated 2025-08-25.

Conditions:
RASopathy. Also called: Noonan spectrum disorder; rasopathies. Identifiers: Orphanet 536391, MedGen C5555857, MONDO:0021060.
Cardiovascular phenotype. Identifiers: MedGen CN230736.

gnomAD v4.1: 3 of 1,614,042 alleles (0.00019%); highest among the groups gnomAD compares: Admixed American, 0.005%; no homozygotes.

Submissions (2):

Ambry Genetics
Classification: Uncertain significance for Cardiovascular phenotype. Last evaluated: 2025-08-25. Review status: criteria provided, single submitter. Criteria: Ambry Variant Classification Scheme 2023. Collection method: clinical testing. Allele origin: germline.
Comment: The p.C567S variant (also known as c.1699T>A), located in coding exon 11 of the CBL gene, results from a T to A substitution at nucleotide position 1699. The cysteine at codon 567 is replaced by serine, an amino acid with dissimilar properties. This amino acid position is conserved. In addition, this alteration is predicted to be tolerated by in silico analysis. Based on the available evidence, the clinical significance of this variant remains unclear.

Labcorp Genetics (formerly Invitae), Labcorp
Classification: Uncertain significance for RASopathy. Last evaluated: 2024-07-11. Review status: criteria provided, single submitter. Criteria: Invitae Variant Classification Sherloc (09022015). Collection method: clinical testing. Allele origin: germline.
Comment: This sequence change replaces cysteine, which is neutral and slightly polar, with serine, which is neutral and polar, at codon 567 of the CBL protein (p.Cys567Ser). This variant is not present in population databases (gnomAD no frequency). This variant has not been reported in the literature in individuals affected with CBL-related conditions. Advanced modeling of protein sequence and biophysical properties (such as structural, functional, and spatial information, amino acid conservation, physicochemical variation, residue mobility, and thermodynamic stability) performed at Invitae indicates that this missense variant is not expected to disrupt CBL protein function with a negative predictive value of 95%. In summary, the available evidence is currently insufficient to determine the role of this variant in disease. Therefore, it has been classified as a Variant of Uncertain Significance.